The following is an entry in ClinVar:

ClinVar aggregate classification (germline): Uncertain significance (1 of 4 stars; one submission).

Conditions:
Inborn genetic diseases. Identifiers: MedGen C0950123, MeSH D030342.

Submission:

Ambry Genetics
Classification: Uncertain significance for Inborn genetic diseases. Last evaluated: 2023-12-23. Review status: criteria provided, single submitter. Criteria: Ambry Variant Classification Scheme 2023. Collection method: clinical testing. Allele origin: germline.
Comment: The p.L1287P variant (also known as c.3860T>C), located in coding exon 21 of the ATR gene, results from a T to C substitution at nucleotide position 3860. The leucine at codon 1287 is replaced by proline, an amino acid with similar properties. This amino acid position is conserved. In addition, this alteration is predicted to be deleterious by in silico analysis. Since supporting evidence is limited at this time, the clinical significance of this alteration remains unclear.

NM_001184.4(ATR):c.3860T>C (p.Leu1287Pro)

Gene: ATR (ATR checkpoint kinase; minus strand). Cytogenetic location: 3q23.
Variant type: single nucleotide variant.
Coding change: c.3860T>C on transcript NM_001184.4 (MANE Select); coding-DNA position 3860, T replaced by C.
Protein change: p.Leu1287Pro; replaces leucine 1287 with proline.
Molecular consequence: missense variant.
Genome position (GRCh38, 1-based): chr3:142,535,165, A>G on the plus strand (T>C on the coding strand, the complement: ATR is on the minus strand). VCF-style: chr3-142535165-A-G. GRCh37 (hg19) VCF-style: chr3-142254007-A-G.
Other names: c.3668T>C, p.Leu1223Pro (NM_001354579.2); short protein forms L1223P, L1287P.
Identifiers: ClinVar variation 3221146 (VCV003221146.1), dbSNP rs2108425061, ClinGen allele CA354806278.
Genomic context (GRCh38, chr3:142,535,165, plus strand): 5'-AAGCTTGTAAGAGCATGAATACGAACATCGACATTTTCATGTTGAATGGCCTTCATAGAG[A>G]GCTGAAGAGTTGTCTGAAGATCAGTGCTCTCAGAGGTCTCCTATATACAAAGCACAGAGA-3'
Protein context (NP_001175.2, residues 1277-1297): ESTDLQTTLQ[Leu1287Pro]SMKAIQHENV